The following is an entry in ClinVar:

NM_001372044.2(SHANK3):c.5166dup (p.Gly1723fs)

Gene: SHANK3 (SH3 and multiple ankyrin repeat domains 3; plus strand). Cytogenetic location: 22q13.33.
Variant type: Duplication.
Coding change: c.5166dup on transcript NM_001372044.2 (MANE Select); coding-DNA position 5166, one base duplicated (C; older notation c.5166dupC).
Protein change: p.Gly1723fs; shifts the reading frame from glycine 1723.
Molecular consequence: frameshift variant.
Genome position (GRCh38, 1-based): chr22:50,731,057, C duplicated; the last of 2 consecutive C bases (chr22:50,731,056-50,731,057); duplicating either gives the same sequence. VCF-style (leftmost placement, unchanged base first): chr22-50731055-T-TC. GRCh37 (hg19) VCF-style: chr22-51169483-T-TC.
Other names: c.4941dup, p.Gly1648Argfs (NM_033517.1); c.5165dup (NM_001372044.2); short protein forms G1723fs.
Identifiers: ClinVar variation 2431444 (VCV002431444.1), dbSNP rs2518439453, ClinGen allele CA2580099953.

ClinVar aggregate classification (germline): Likely pathogenic (1 of 4 stars; one submission).

Conditions:
Phelan-McDermid syndrome. Also called: Phelan-McDermid Syndrome-SHANK3 Related; TELOMERIC 22q13 MONOSOMY SYNDROME; 22q13.3 deletion syndrome. Identifiers: Orphanet 48652, MedGen C1853490, MONDO:0011652, OMIM 606232.

Submission:

Laboratorio de Genetica e Diagnostico Molecular, Hospital Israelita Albert Einstein
Classification: Likely pathogenic for Phelan-McDermid syndrome. Last evaluated: 2023-02-10. Review status: criteria provided, single submitter. Criteria: ACMG Guidelines, 2015. Collection method: clinical testing. Allele origin: germline. Affected: yes. Observed: 1 variant allele.
Comment: ACMG classification criteria: PVS1 strong, PM2 moderated